The following is an entry in ClinVar:

ClinVar aggregate classification (germline): Conflicting classifications of pathogenicity. Review status: criteria provided, conflicting classifications (1 of 4 stars). 8 submissions from 7 submitters: Uncertain significance (1); Benign (5); Likely benign (2). Last evaluated 2026-09-03.

Conditions:
Autosomal dominant nonsyndromic hearing loss 20. Identifiers: Orphanet 90635, MedGen C1858172, MONDO:0011480, OMIM 604717.
Inborn genetic diseases. Identifiers: MedGen C0950123, MeSH D030342.
Baraitser-winter syndrome 2. Identifiers: Orphanet 2995, MedGen C3281235, MONDO:0013812, OMIM 614583.

Allele frequency attached by ClinVar (database versions not stated): TOPMed 0.00006; gnomAD 0.00009 and 0.00012; ESP Exome Variant Server 0.00015; 1000 Genomes Project 30x 0.00016; gnomAD exomes 0.00019; 1000 Genomes Project 0.00020; ExAC 0.00026.

Submissions (8):

Ambry Genetics
Classification: Uncertain significance for Inborn genetic diseases. Last evaluated: 2026-09-03. Review status: criteria provided, single submitter. Criteria: Ambry Variant Classification Scheme 2023. Collection method: clinical testing. Allele origin: germline.
Comment: The c.45C>T (p.G15G) alteration is located in exon 2 (coding exon 1) of the ACTG1 gene. This alteration consists of a C to T substitution at nucleotide position 45. This nucleotide substitution does not change the amino acid at codon 15. However, this change occurs in the last nucleotide of Exon 2 (c.-6_123) which makes it likely to have some effect on normal mRNA splicing. Based on data from gnomAD, the T allele has an overall frequency of 0.018% (52/282736) total alleles studied. The highest observed frequency was 0.095% (29/30616) of South Asian alleles. Based on insufficient or conflicting evidence, the clinical significance of this alteration remains unclear.

Labcorp Genetics (formerly Invitae), Labcorp
Classification: Benign for Baraitser-winter syndrome 2; Autosomal dominant nonsyndromic hearing loss 20. Last evaluated: 2025-04-18. Review status: criteria provided, single submitter. Criteria: Invitae Variant Classification Sherloc (09022015). Collection method: clinical testing. Allele origin: germline.

Blueprint Genetics
Classification: Likely benign. Last evaluated: 2024-03-20. Review status: criteria provided, single submitter. Criteria: ACMG Guidelines, 2015. Collection method: clinical testing. Allele origin: germline.

CeGaT Center for Human Genetics Tuebingen
Classification: Benign. Last evaluated: 2022-10-01. Review status: criteria provided, single submitter. Criteria: CeGaT Center For Human Genetics Tuebingen Variant Classification Criteria Version 2. Collection method: clinical testing. Allele origin: germline. Affected: yes. Observed: 1 variant allele.
Comment: ACTG1: BP7, BS1, BS2

Genome-Nilou Lab
Classification: Benign for Baraitser-winter syndrome 2. Last evaluated: 2021-12-05. Review status: criteria provided, single submitter. Criteria: ACMG Guidelines, 2015. Collection method: clinical testing. Allele origin: germline. Affected: no.

Genome-Nilou Lab
Classification: Benign for Autosomal dominant nonsyndromic hearing loss 20. Last evaluated: 2021-12-05. Review status: criteria provided, single submitter. Criteria: ACMG Guidelines, 2015. Collection method: clinical testing. Allele origin: germline. Affected: no.

GeneDx
Classification: Benign. Last evaluated: 2021-06-10. Review status: criteria provided, single submitter. Criteria: GeneDx Variant Classification Process June 2021. Collection method: clinical testing. Allele origin: germline. Affected: yes.

Laboratory for Molecular Medicine, Mass General Brigham Personalized Medicine
Classification: Likely benign. Last evaluated: 2012-04-30. Review status: criteria provided, single submitter. Criteria: LMM Criteria. Collection method: clinical testing. Allele origin: germline. Observed: 1 variant allele.
Comment: Gly15Gly in Exon 02 of ACTG1: This variant is not expected to have clinical significance because it does not alter an amino acid residue, is not located within the splice consensus sequence, and has been identified in 3/7020 European American chromosomes from a broad population by the NHLBI Exome Sequencing Project (dbSNP rs145574149).

NM_001614.5(ACTG1):c.45C>T (p.Gly15=)

Genes: ACTG1 (actin gamma 1; minus strand), LOC130061940 (ATAC-STARR-seq lymphoblastoid active region 12964; plus strand). Cytogenetic location: 17q25.3.
Variant type: single nucleotide variant.
Coding change: c.45C>T on transcript NM_001614.5 (MANE Select); coding-DNA position 45, C replaced by T.
Protein change: p.Gly15=; no amino-acid change (glycine 15 retained).
Molecular consequence: synonymous variant. On other transcripts: non-coding transcript variant (1).
Genome position (GRCh38, 1-based): chr17:81,512,310, G>A on the plus strand (C>T on the coding strand, the complement: ACTG1 is on the minus strand). VCF-style: chr17-81512310-G-A. GRCh37 (hg19) VCF-style: chr17-79479336-G-A.
Other names: c.45C>T, p.Gly15= (NM_001199954.3).
Identifiers: ClinVar variation 929868 (VCV000929868.43), dbSNP rs145574149, ClinGen allele CA8836412.